The following is an entry in ClinVar:

ClinVar aggregate classification (germline): Likely benign (1 of 4 stars; one submission).

Allele frequency attached by ClinVar (database versions not stated): 1000 Genomes Project 30x 0.00016; 1000 Genomes Project 0.00020.
gnomAD v4.1: 305 of 1,614,092 alleles (0.019%); highest among the groups gnomAD compares: Middle Eastern, 0.13%; 4 homozygotes.

Submission:

CeGaT Center for Human Genetics Tuebingen
Classification: Likely benign. Last evaluated: 2022-08-01. Review status: criteria provided, single submitter. Criteria: CeGaT Center For Human Genetics Tuebingen Variant Classification Criteria Version 2. Collection method: clinical testing. Allele origin: germline. Affected: yes. Observed: 1 variant allele.
Comment: MYOM2: BP4, BP7

NM_003970.4(MYOM2):c.4143C>T (p.Asn1381=)

Gene: MYOM2 (myomesin 2; plus strand). Cytogenetic location: 8p23.3.
Variant type: single nucleotide variant.
Coding change: c.4143C>T on transcript NM_003970.4 (MANE Select); coding-DNA position 4143, C replaced by T.
Protein change: p.Asn1381=; no amino-acid change (asparagine 1381 retained).
Molecular consequence: synonymous variant.
Genome position (GRCh38, 1-based): chr8:2,144,726, C>T. VCF-style: chr8-2144726-C-T. GRCh37 (hg19) VCF-style: chr8-2092650-C-T.
Identifiers: ClinVar variation 2658314 (VCV002658314.24), dbSNP rs145385079, ClinGen allele CA170467237.